The following is an entry in ClinVar:

NM_001145860.2(POP1):c.701G>C (p.Cys234Ser)

Gene: POP1 (POP1 ribonuclease P/MRP subunit; plus strand). Cytogenetic location: 8q22.2.
Variant type: single nucleotide variant.
Coding change: c.701G>C on transcript NM_001145860.2 (MANE Select); coding-DNA position 701, G replaced by C.
Protein change: p.Cys234Ser; replaces cysteine 234 with serine.
Molecular consequence: missense variant.
Genome position (GRCh38, 1-based): chr8:98,130,192, G>C. VCF-style: chr8-98130192-G-C. GRCh37 (hg19) VCF-style: chr8-99142420-G-C.
Other names: c.701G>C, p.Cys234Ser (NM_001145861.2, NM_015029.3); short protein forms C234S.
Identifiers: ClinVar variation 2133816 (VCV002133816.4), dbSNP rs2488038507, ClinGen allele CA371790494.
Genomic context (GRCh38, chr8:98,130,192, plus strand): 5'-TGGTCAAGAAGTGGGGCTACTGCCTTGGGGAGAGGCCAACAGTCAAGAGCCACAGAGCCT[G>C]CTATCGAGCCATGACGAACCGGTGCCTCCTGCAGGTGAGCTTTTCCAGTGGGCTTTTTTT-3'
Protein context (NP_001139332.1, residues 224-244): ERPTVKSHRA[Cys234Ser]YRAMTNRCLL

ClinVar aggregate classification (germline): Uncertain significance (1 of 4 stars; one submission).

Allele frequency attached by ClinVar (database versions not stated): gnomAD exomes 0.00001.
gnomAD v4.1: 10 of 1,614,168 alleles (0.00062%); highest among the groups gnomAD compares: Non-Finnish European, 0.00085%; no homozygotes.

Submission:

Labcorp Genetics (formerly Invitae), Labcorp
Classification: Uncertain significance. Last evaluated: 2022-10-03. Review status: criteria provided, single submitter. Criteria: Invitae Variant Classification Sherloc (09022015). Collection method: clinical testing. Allele origin: germline.
Comment: In summary, the available evidence is currently insufficient to determine the role of this variant in disease. Therefore, it has been classified as a Variant of Uncertain Significance. Algorithms developed to predict the effect of missense changes on protein structure and function output the following: SIFT: "Tolerated"; PolyPhen-2: "Benign"; Align-GVGD: "Class C0". The serine amino acid residue is found in multiple mammalian species, which suggests that this missense change does not adversely affect protein function. This variant has not been reported in the literature in individuals affected with POP1-related conditions. This variant is not present in population databases (gnomAD no frequency). This sequence change replaces cysteine, which is neutral and slightly polar, with serine, which is neutral and polar, at codon 234 of the POP1 protein (p.Cys234Ser).